The following is an entry in ClinVar:

ClinVar aggregate classification (germline): Uncertain significance. Review status: criteria provided, multiple submitters, no conflicts (2 of 4 stars). 2 submissions from 2 submitters: Uncertain significance (2). Last evaluated 2022-12-06.

Conditions:
Primary ciliary dyskinesia 23 (CILD23). Also called: CILIARY DYSKINESIA, PRIMARY, 23, WITH OR WITHOUT SITUS INVERSUS. Identifiers: Orphanet 244, MedGen C3809548, MONDO:0014193, OMIM 615451.

Allele frequency attached by ClinVar (database versions not stated): gnomAD 0.00001; gnomAD exomes 0.00001.
gnomAD v4.1: 17 of 1,585,908 alleles (0.0011%); highest among the groups gnomAD compares: Admixed American, 0.0017%; no homozygotes.

Submissions (2):

Labcorp Genetics (formerly Invitae), Labcorp
Classification: Uncertain significance for Primary ciliary dyskinesia 23. Last evaluated: 2022-12-06. Review status: criteria provided, single submitter. Criteria: Invitae Variant Classification Sherloc (09022015). Collection method: clinical testing. Allele origin: germline.
Comment: In summary, the available evidence is currently insufficient to determine the role of this variant in disease. Therefore, it has been classified as a Variant of Uncertain Significance. Algorithms developed to predict the effect of missense changes on protein structure and function output the following: SIFT: "Tolerated"; PolyPhen-2: "Benign"; Align-GVGD: "Class C0". The alanine amino acid residue is found in multiple mammalian species, which suggests that this missense change does not adversely affect protein function. ClinVar contains an entry for this variant (Variation ID: 641873). This variant has not been reported in the literature in individuals affected with ARMC4-related conditions. The frequency data for this variant in the population databases is considered unreliable, as metrics indicate poor data quality at this position in the gnomAD database. This sequence change replaces threonine, which is neutral and polar, with alanine, which is neutral and non-polar, at codon 143 of the ARMC4 protein (p.Thr143Ala).

GeneDx
Classification: Uncertain significance. Last evaluated: 2020-10-16. Review status: criteria provided, single submitter. Criteria: GeneDx Variant Classification Process June 2021. Collection method: clinical testing. Allele origin: germline. Affected: yes.
Comment: Not observed at a significant frequency in large population cohorts (Lek et al., 2016); In silico analysis supports that this missense variant does not alter protein structure/function; Has not been previously published as pathogenic or benign to our knowledge

NM_018076.5(ODAD2):c.427A>G (p.Thr143Ala)

Gene: ODAD2 (outer dynein arm docking complex subunit 2; minus strand). Cytogenetic location: 10p12.1.
Variant type: single nucleotide variant.
Coding change: c.427A>G on transcript NM_018076.5 (MANE Select); coding-DNA position 427, A replaced by G.
Protein change: p.Thr143Ala; replaces threonine 143 with alanine.
Molecular consequence: missense variant.
Genome position (GRCh38, 1-based): chr10:27,985,167, T>C on the plus strand (A>G on the coding strand, the complement: ODAD2 is on the minus strand). VCF-style: chr10-27985167-T-C. GRCh37 (hg19) VCF-style: chr10-28274096-T-C.
Other names: c.427A>G, p.Thr143Ala (NM_001290020.2); short protein forms T143A.
Identifiers: ClinVar variation 641873 (VCV000641873.9), dbSNP rs1432468402, ClinGen allele CA376397357.
Genomic context (GRCh38, chr10:27,985,167, plus strand): 5'-GATCATCATCTCTGGTAATTTTGCCAAGAATATTTAATGCAATTGAGTTTTCTTTCATTG[T>C]ATTATAATCAGAGCCCAGGATTTTTACTATGGGGTCTCTGTTAGCTGCCAAAAAAAAAAA-3'
Protein context (NP_060546.2, residues 133-153): IVKILGSDYN[Thr143Ala]MKENSIALNI